The following is an entry in ClinVar:

ClinVar aggregate classification (germline): Uncertain significance (1 of 4 stars; one submission).

Conditions:
Dyskeratosis congenita, autosomal recessive 5 (DKCB5). Identifiers: MedGen C3554656, MONDO:0014076, OMIM 615190.
Pulmonary fibrosis and/or bone marrow failure, Telomere-related, 3. Also called: PULMONARY FIBROSIS AND/OR BONE MARROW FAILURE SYNDROME, TELOMERE-RELATED, 3. Identifiers: Orphanet 2032, MedGen C4225346, MONDO:0014613, OMIM 616373.

Submission:

Labcorp Genetics (formerly Invitae), Labcorp
Classification: Uncertain significance for Dyskeratosis congenita, autosomal recessive 5; Pulmonary fibrosis and/or bone marrow failure, Telomere-related, 3. Last evaluated: 2020-08-10. Review status: criteria provided, single submitter. Criteria: Invitae Variant Classification Sherloc (09022015). Collection method: clinical testing. Allele origin: germline.
Comment: In summary, the available evidence is currently insufficient to determine the role of this variant in disease. Therefore, it has been classified as a Variant of Uncertain Significance. Nucleotide substitutions within the consensus splice site are a relatively common cause of aberrant splicing (PMID: 17576681, 9536098). Algorithms developed to predict the effect of sequence changes on RNA splicing suggest that this variant may disrupt the consensus splice site, but this prediction has not been confirmed by published transcriptional studies. This variant has not been reported in the literature in individuals with RTEL1-related conditions. This variant is not present in population databases (ExAC no frequency). This sequence change falls in intron 7 of the RTEL1 gene. It does not directly change the encoded amino acid sequence of the RTEL1 protein, but it affects a nucleotide within the consensus splice site of the intron.

Literature cited by the submitters: PubMed 17576681; PubMed 9536098.

NM_001283009.2(RTEL1):c.615-3C>G

Genes: RTEL1 (regulator of telomere elongation helicase 1; plus strand), RTEL1-TNFRSF6B (RTEL1-TNFRSF6B readthrough (NMD candidate); plus strand). Cytogenetic location: 20q13.33.
Variant type: single nucleotide variant.
Coding change: c.615-3C>G on transcript NM_001283009.2 (MANE Select); 3 bases into the intron before coding-DNA position 615, C replaced by G.
Molecular consequence: intron variant.
Genome position (GRCh38, 1-based): chr20:63,667,466, C>G. VCF-style: chr20-63667466-C-G. GRCh37 (hg19) VCF-style: chr20-62298819-C-G.
Other names: c.-55-3C>G (NM_001283010.1); c.687-3C>G (NM_032957.5); c.615-3C>G (NM_016434.4).
Identifiers: ClinVar variation 1034800 (VCV001034800.7), dbSNP rs2090159810, ClinGen allele CA2374918195.